The following is an entry in ClinVar:

ClinVar aggregate classification (germline): Uncertain significance (1 of 4 stars; one submission).

Conditions:
Long QT syndrome (LQTS). Identifiers: MedGen C0023976, MeSH D008133, MONDO:0002442. Disease mechanism: loss of function. Inheritance: Various modes of inheritance.

gnomAD v4.1: 1 of 1,613,796 alleles (0.000062%); highest among the groups gnomAD compares: Non-Finnish European, 0.000085%; no homozygotes.

Submission:

Labcorp Genetics (formerly Invitae), Labcorp
Classification: Uncertain significance for Long QT syndrome. Last evaluated: 2024-03-14. Review status: criteria provided, single submitter. Criteria: Invitae Variant Classification Sherloc (09022015). Collection method: clinical testing. Allele origin: germline.
Comment: This sequence change replaces asparagine, which is neutral and polar, with serine, which is neutral and polar, at codon 586 of the KCNQ1 protein (p.Asn586Ser). This variant is not present in population databases (gnomAD no frequency). This missense change has been observed in individual(s) with clinical features of KCNQ1-related conditions (Invitae). Advanced modeling of protein sequence and biophysical properties (such as structural, functional, and spatial information, amino acid conservation, physicochemical variation, residue mobility, and thermodynamic stability) has been performed at Invitae for this missense variant, however the output from this modeling did not meet the statistical confidence thresholds required to predict the impact of this variant on KCNQ1 protein function. In summary, the available evidence is currently insufficient to determine the role of this variant in disease. Therefore, it has been classified as a Variant of Uncertain Significance.

NM_000218.3(KCNQ1):c.1757A>G (p.Asn586Ser)

Gene: KCNQ1 (potassium voltage-gated channel subfamily Q member 1; plus strand). Cytogenetic location: 11p15.5.
Variant type: single nucleotide variant.
Coding change: c.1757A>G on transcript NM_000218.3 (MANE Select); coding-DNA position 1757, A replaced by G.
Protein change: p.Asn586Ser; replaces asparagine 586 with serine.
Molecular consequence: missense variant.
Genome position (GRCh38, 1-based): chr11:2,778,000, A>G. VCF-style: chr11-2778000-A-G. GRCh37 (hg19) VCF-style: chr11-2799230-A-G.
Other names: c.1661A>G, p.Asn554Ser (NM_001406836.1); c.1487A>G, p.Asn496Ser (NM_001406837.1); c.1217A>G, p.Asn406Ser (NM_001406838.1); c.269A>G, p.Asn90Ser (NM_001406839.1); c.1376A>G, p.Asn459Ser (NM_181798.2); short protein forms N406S, N554S, N459S, N496S, N586S, N90S.
Identifiers: ClinVar variation 3720990 (VCV003720990.2).